The following is an entry in ClinVar:

NM_004004.6(GJB2):c.219C>T (p.His73=)

Gene: GJB2 (gap junction protein beta 2; minus strand). Cytogenetic location: 13q12.11.
Variant type: single nucleotide variant.
Coding change: c.219C>T on transcript NM_004004.6 (MANE Select); coding-DNA position 219, C replaced by T.
Protein change: p.His73=; no amino-acid change (histidine 73 retained).
Molecular consequence: synonymous variant.
Genome position (GRCh38, 1-based): chr13:20,189,363, G>A on the plus strand (C>T on the coding strand, the complement: GJB2 is on the minus strand). VCF-style: chr13-20189363-G-A. GRCh37 (hg19) VCF-style: chr13-20763502-G-A.
Identifiers: ClinVar variation 179274 (VCV000179274.11), dbSNP rs727504755, ClinGen allele CA184094.
Genomic context (GRCh38, chr13:20,189,363, plus strand): 5'-CATGGCCACTAGGAGCGCTGGCGTGGACACGAAGATCAGCTGCAGGGCCCATAGCCGGAT[G>A]TGGGAGATGGGGAAGTAGTGATCGTAGCACACGTTCTTGCAGCCTGGCTGCAGGGTGTTG-3'
Protein context (NP_003995.2, residues 63-83): VCYDHYFPIS[His73=]IRLWALQLIF

ClinVar aggregate classification (germline): Likely benign. Review status: criteria provided, multiple submitters, no conflicts (2 of 4 stars). 2 submissions from 2 submitters: Likely benign (2). Last evaluated 2023-09-29.

Allele frequency attached by ClinVar (database versions not stated): gnomAD exomes 0.00001 and 0.00004.
gnomAD v4.1: 54 of 1,614,208 alleles (0.0033%); highest among the groups gnomAD compares: Non-Finnish European, 0.0043%; no homozygotes.

Submissions (2):

Labcorp Genetics (formerly Invitae), Labcorp
Classification: Likely benign. Last evaluated: 2023-09-29. Review status: criteria provided, single submitter. Criteria: Invitae Variant Classification Sherloc (09022015). Collection method: clinical testing. Allele origin: germline.

Laboratory for Molecular Medicine, Mass General Brigham Personalized Medicine
Classification: Likely benign. Last evaluated: 2013-09-10. Review status: criteria provided, single submitter. Criteria: LMM Criteria. Collection method: clinical testing. Allele origin: germline. Observed: 2 variant alleles.
Comment: His73His in exon 2 of GJB2: This variant is not expected to have clinical signif icance because it does not alter an amino acid residue and it is not located wit hin the splice consensus sequence.